The following is an entry in ClinVar:

NM_177438.3(DICER1):c.3838A>T (p.Ser1280Cys)

Gene: DICER1 (dicer 1, ribonuclease III; minus strand). Cytogenetic location: 14q32.13.
Variant type: single nucleotide variant.
Coding change: c.3838A>T on transcript NM_177438.3 (MANE Select); coding-DNA position 3838, A replaced by T.
Protein change: p.Ser1280Cys; replaces serine 1280 with cysteine.
Molecular consequence: missense variant.
Genome position (GRCh38, 1-based): chr14:95,103,558, T>A on the plus strand (A>T on the coding strand, the complement: DICER1 is on the minus strand). VCF-style: chr14-95103558-T-A. GRCh37 (hg19) VCF-style: chr14-95569895-T-A.
Other names: c.3838A>T, p.Ser1280Cys (NM_001195573.1, NM_001271282.3, NM_001291628.2 and 1 more transcripts); short protein forms S1280C.
Identifiers: ClinVar variation 543646 (VCV000543646.11), dbSNP rs148696745, ClinGen allele CA390873337.

ClinVar aggregate classification (germline): Uncertain significance. Review status: criteria provided, multiple submitters, no conflicts (2 of 4 stars). 2 submissions from 2 submitters: Uncertain significance (2). Last evaluated 2024-04-02.

Conditions:
DICER1-related tumor predisposition. Also called: DICER1-related pleuropulmonary blastoma cancer predisposition syndrome; DICER1 syndrome. Identifiers: Orphanet 284343, MedGen C3839822, MONDO:0100216.

Submissions (2):

GeneDx
Classification: Uncertain significance. Last evaluated: 2024-04-02. Review status: criteria provided, single submitter. Criteria: GeneDx Variant Classification Process June 2021. Collection method: clinical testing. Allele origin: germline. Affected: yes.
Comment: Not observed at significant frequency in large population cohorts (gnomAD); In silico analysis supports that this missense variant does not alter protein structure/function; Has not been previously published as pathogenic or benign to our knowledge

Labcorp Genetics (formerly Invitae), Labcorp
Classification: Uncertain significance for DICER1-related tumor predisposition. Last evaluated: 2017-12-04. Review status: criteria provided, single submitter. Criteria: Invitae Variant Classification Sherloc (09022015). Collection method: clinical testing. Allele origin: germline.
Comment: In summary, the available evidence is currently insufficient to determine the role of this variant in disease. Therefore, it has been classified as a Variant of Uncertain Significance. Algorithms developed to predict the effect of missense changes on protein structure and function (SIFT, PolyPhen-2, Align-GVGD) all suggest that this variant is likely to be tolerated, but these predictions have not been confirmed by published functional studies and their clinical significance is uncertain. This variant has not been reported in the literature in individuals with DICER1-related disease. This variant is not present in population databases (ExAC no frequency). This sequence change replaces serine with cysteine at codon 1280 of the DICER1 protein (p.Ser1280Cys). The serine residue is weakly conserved and there is a moderate physicochemical difference between serine and cysteine.